The following is an entry in ClinVar:

ClinVar aggregate classification (germline): Uncertain significance (1 of 4 stars; one submission).

Conditions:
Myofibrillar myopathy 4. Also called: Zaspopathy (type). Identifiers: Orphanet 98912, MedGen C4721886, MONDO:0012277, OMIM 609452.

Submission:

Labcorp Genetics (formerly Invitae), Labcorp
Classification: Uncertain significance for Myofibrillar myopathy 4. Last evaluated: 2022-08-23. Review status: criteria provided, single submitter. Criteria: Invitae Variant Classification Sherloc (09022015). Collection method: clinical testing. Allele origin: germline.
Comment: The LDB3 gene has multiple clinically relevant transcripts. This variant occurs in alternate transcript NM_007078.3, and corresponds to NM_001080116.1:c.*18758C>T in the primary transcript. This sequence change affects codon 615 of the LDB3 mRNA. It is a 'silent' change, meaning that it does not change the encoded amino acid sequence of the LDB3 protein. This variant is not present in population databases (gnomAD no frequency). This variant has not been reported in the literature in individuals affected with LDB3-related conditions. In summary, the available evidence is currently insufficient to determine the role of this variant in disease. Therefore, it has been classified as a Variant of Uncertain Significance. Experimental studies and prediction algorithms are not available or were not evaluated, and the effect of this variant on mRNA splicing is currently unknown.

NM_007078.3(LDB3):c.1845C>T (p.Thr615=)

Gene: LDB3 (LIM domain binding 3; plus strand). Cytogenetic location: 10q23.2.
Variant type: single nucleotide variant.
Coding change: c.1845C>T on transcript NM_007078.3 (MANE Select); coding-DNA position 1845, C replaced by T.
Protein change: p.Thr615=; no amino-acid change (threonine 615 retained).
Molecular consequence: synonymous variant.
Genome position (GRCh38, 1-based): chr10:86,718,132, C>T. VCF-style: chr10-86718132-C-T. GRCh37 (hg19) VCF-style: chr10-88477889-C-T.
Other names: c.1515C>T, p.Thr505= (NM_001080114.2); c.1860C>T, p.Thr620= (NM_001171610.2); c.1656C>T, p.Thr552= (NM_001368064.1, NM_001368065.1); c.1704C>T, p.Thr568= (NM_001368066.1).
Identifiers: ClinVar variation 2025834 (VCV002025834.4), dbSNP rs2492816825, ClinGen allele CA470308841.
Genomic context (GRCh38, chr10:86,718,132, plus strand): 5'-CGTTTACTGTGAGCGATGTTATGAGCAATTCTTTGCCCCGCTGTGTGCCAAGTGCAACAC[C>T]AAAATTATGGGGGTAAGTGGGAGGCCTCCATTTCCTCTGACCCATGTCTCTTCCCCAGCC-3'
Protein context (NP_009009.1, residues 605-625): FFAPLCAKCN[Thr615=]KIMGEVMHAL